The following is an entry in ClinVar:

ClinVar aggregate classification (germline): Likely benign (0 of 4 stars; one submission).

Conditions:
ANO6-related disorder. Also called: ANO6-related condition.

Submission:

PreventionGenetics, part of Exact Sciences
Classification: Likely benign for ANO6-related condition. Last evaluated: 2021-07-19. Review status: no assertion criteria provided. Collection method: clinical testing. Allele origin: germline.
Comment: This variant is classified as likely benign based on ACMG/AMP sequence variant interpretation guidelines (Richards et al. 2015 PMID: 25741868, with internal and published modifications).

NM_001025356.3(ANO6):c.279+9T>G

Gene: ANO6 (anoctamin 6; plus strand). Cytogenetic location: 12q12.
Variant type: single nucleotide variant.
Coding change: c.279+9T>G on transcript NM_001025356.3 (MANE Select); 9 bases into the intron after coding-DNA position 279, T replaced by G.
Molecular consequence: intron variant.
Genome position (GRCh38, 1-based): chr12:45,331,432, T>G. VCF-style: chr12-45331432-T-G. GRCh37 (hg19) VCF-style: chr12-45725215-T-G.
Other names: c.279+9T>G (NM_001142679.2); c.342+9T>G (NM_001204803.2); c.246+9T>G (NM_001410973.1); c.225+9T>G (NM_001142678.2).
Identifiers: ClinVar variation 3029828 (VCV003029828.2), dbSNP rs769249049, ClinGen allele CA2740092357.
Genomic context (GRCh38, chr12:45,331,432, plus strand): 5'-GGATGAAAGCAGAAAAGAGACCAATAAAAAGGGTACAAATGAAAAACAAAGGGTAAGTTT[T>G]TATGCTATTTTCCTTTCTTTTTATTTCTTATATTGTAACATGAAAAAACTGCTATTTTGT-3'